The following is an entry in ClinVar:

NM_000257.4(MYH7):c.5559+7C>T

Gene: MYH7 (myosin heavy chain 7; minus strand). Cytogenetic location: 14q11.2.
Variant type: single nucleotide variant.
Coding change: c.5559+7C>T on transcript NM_000257.4 (MANE Select); 7 bases into the intron after coding-DNA position 5559, C replaced by T.
Molecular consequence: intron variant.
Genome position (GRCh38, 1-based): chr14:23,414,988, G>A on the plus strand (C>T on the coding strand, the complement: MYH7 is on the minus strand). VCF-style: chr14-23414988-G-A. GRCh37 (hg19) VCF-style: chr14-23884197-G-A.
Other names: c.5559+7C>T (LRG_384t1).
Identifiers: ClinVar variation 513033 (VCV000513033.11), dbSNP rs758428001, ClinGen allele CA047325.

ClinVar aggregate classification (germline): Likely benign. Review status: criteria provided, multiple submitters, no conflicts (2 of 4 stars). 2 submissions from 2 submitters: Likely benign (2). Last evaluated 2026-01-10.

Conditions:
Hypertrophic cardiomyopathy. Also called: HYPERTROPHIC MYOCARDIOPATHY. Identifiers: Orphanet 217569, MedGen C0007194, MeSH D002312, MONDO:0005045, HP:0001639.

Allele frequency attached by ClinVar (database versions not stated): TOPMed 0.00002; ExAC 0.00003; gnomAD 0.00005.
gnomAD v4.1: 44 of 1,605,530 alleles (0.0027%); highest among the groups gnomAD compares: Middle Eastern, 0.016%; no homozygotes.

Submissions (2):

Labcorp Genetics (formerly Invitae), Labcorp
Classification: Likely benign for Hypertrophic cardiomyopathy. Last evaluated: 2026-01-10. Review status: criteria provided, single submitter. Criteria: Invitae Variant Classification Sherloc (09022015). Collection method: clinical testing. Allele origin: germline.

GeneDx
Classification: Likely benign. Last evaluated: 2017-11-02. Review status: criteria provided, single submitter. Criteria: GeneDx Variant Classification (06012015). Collection method: clinical testing. Allele origin: germline. Affected: yes.
Comment: This variant is considered likely benign or benign based on one or more of the following criteria: it is a conservative change, it occurs at a poorly conserved position in the protein, it is predicted to be benign by multiple in silico algorithms, and/or has population frequency not consistent with disease.